The following is an entry in ClinVar:

ClinVar aggregate classification (germline): Uncertain significance (1 of 4 stars; one submission).

gnomAD v4.1: 5 of 1,556,916 alleles (0.00032%); highest among the groups gnomAD compares: Non-Finnish European, 0.00043%; no homozygotes.

Submission:

Labcorp Genetics (formerly Invitae), Labcorp
Classification: Uncertain significance. Last evaluated: 2023-12-11. Review status: criteria provided, single submitter. Criteria: Invitae Variant Classification Sherloc (09022015). Collection method: clinical testing. Allele origin: germline.
Comment: This sequence change replaces glycine, which is neutral and non-polar, with arginine, which is basic and polar, at codon 23 of the PCLO protein (p.Gly23Arg). This variant is not present in population databases (gnomAD no frequency). This variant has not been reported in the literature in individuals affected with PCLO-related conditions. ClinVar contains an entry for this variant (Variation ID: 1374057). Experimental studies and prediction algorithms are not available or were not evaluated, and the functional significance of this variant is currently unknown. In summary, the available evidence is currently insufficient to determine the role of this variant in disease. Therefore, it has been classified as a Variant of Uncertain Significance.

NM_033026.6(PCLO):c.67G>A (p.Gly23Arg)

Gene: PCLO (piccolo presynaptic cytomatrix protein; minus strand). Cytogenetic location: 7q21.11.
Variant type: single nucleotide variant.
Coding change: c.67G>A on transcript NM_033026.6 (MANE Select); coding-DNA position 67, G replaced by A.
Protein change: p.Gly23Arg; replaces glycine 23 with arginine.
Molecular consequence: missense variant.
Genome position (GRCh38, 1-based): chr7:83,162,526, C>T on the plus strand (G>A on the coding strand, the complement: PCLO is on the minus strand). VCF-style: chr7-83162526-C-T. GRCh37 (hg19) VCF-style: chr7-82791842-C-T.
Other names: c.67G>A, p.Gly23Arg (NM_014510.3); short protein forms G23R.
Identifiers: ClinVar variation 1374057 (VCV001374057.6), dbSNP rs2116714652, ClinGen allele CA367922580.
Genomic context (GRCh38, chr7:83,162,526, plus strand): 5'-CCTCCATGCCGGCCGGGATCGCGGTGTGAGAGGGGCTCCCCGCCCCGCTAGCTCCTCCTC[C>T]AGCCGCTGCGGCCGCCGCCAGCCCTTCGGGGAGCCCTTCCCCTTCCAAGCTCGCCTCGTT-3'
Protein context (NP_149015.2, residues 13-33): PEGLAAAAAA[Gly23Arg]GGASGAGSPS